The following is an entry in ClinVar:

NM_001034853.2(RPGR):c.332C>A (p.Thr111Asn)

Gene: RPGR (retinitis pigmentosa GTPase regulator; minus strand). Cytogenetic location: Xp11.4.
Variant type: single nucleotide variant.
Coding change: c.332C>A on transcript NM_001034853.2 (MANE Select); coding-DNA position 332, C replaced by A.
Protein change: p.Thr111Asn; replaces threonine 111 with asparagine.
Molecular consequence: missense variant. On other transcripts: non-coding transcript variant (6).
Genome position (GRCh38, 1-based): chrX:38,318,966, G>T on the plus strand (C>A on the coding strand, the complement: RPGR is on the minus strand). VCF-style: chrX-38318966-G-T. GRCh37 (hg19) VCF-style: chrX-38178219-G-T.
Other names: c.332C>A, p.Thr111Asn (NM_000328.3, NM_001367245.1, NM_001367246.1 and 3 more transcripts); c.362C>A, p.Thr121Asn (NM_001367248.1); c.329C>A, p.Thr110Asn (NM_001367249.1); short protein forms T110N, T111N, T121N.
Identifiers: ClinVar variation 3776013 (VCV003776013.1).

ClinVar aggregate classification (germline): Uncertain significance (1 of 4 stars; one submission).

Conditions:
Retinitis pigmentosa 3. Also called: CHOROIDORETINAL DEGENERATION WITH RETINAL REFLEX IN HETEROZYGOUS WOMEN. Identifiers: Orphanet 791, MedGen C1845667, MONDO:0010227, OMIM 300029.

Submission:

3billion
Classification: Uncertain significance for Retinitis pigmentosa 3. Last evaluated: 2024-01-23. Review status: criteria provided, single submitter. Criteria: ACMG Guidelines, 2015. Collection method: clinical testing. Allele origin: germline. Affected: yes.
Comment: The variant is not observed in the gnomAD v2.1.1 dataset. Predicted Consequence/Location: The majority of the known disease-causing variants of this gene are variants expected to result in premature termination of the protein. In silico tool predictions suggest damaging effect of the variant on gene or gene product [3Cnet: 0.87 (>=0.6, sensitivity 0.72 and precision 0.9)]. Therefore, this variant is classified as VUS according to the recommendation of ACMG/AMP guideline.